The following is an entry in ClinVar:

NM_002691.4(POLD1):c.2795dup (p.Val933fs)

Gene: POLD1 (DNA polymerase delta 1, catalytic subunit; plus strand). Cytogenetic location: 19q13.33.
Variant type: Duplication.
Coding change: c.2795dup on transcript NM_002691.4 (MANE Select); coding-DNA position 2795, one base duplicated (G; older notation c.2795dupG).
Protein change: p.Val933fs; shifts the reading frame from valine 933.
Molecular consequence: frameshift variant.
Genome position (GRCh38, 1-based): chr19:50,415,801, G duplicated; the last of 3 consecutive G bases (chr19:50,415,799-50,415,801); duplicating any one gives the same sequence. VCF-style (leftmost placement, unchanged base first): chr19-50415798-A-AG. GRCh37 (hg19) VCF-style: chr19-50919055-A-AG.
Other names: c.2795dup, p.Val933fs (LRG_785t1, NM_001256849.1); c.2873dup, p.Val959fs (LRG_785t2, NM_001308632.1); c.2795dupG (NM_002691.3, NM_002691.2); short protein forms V933fs, V959fs.
Identifiers: ClinVar variation 545845 (VCV000545845.3), dbSNP rs1211000727, ClinGen allele CA633897435.

ClinVar aggregate classification (germline): Uncertain significance. Review status: criteria provided, multiple submitters, no conflicts (2 of 4 stars). 2 submissions from 2 submitters: Uncertain significance (2). Last evaluated 2026-08-11.

Conditions:
Hereditary cancer-predisposing syndrome. Also called: Hereditary Cancer Syndrome; Tumor predisposition; Hereditary neoplastic syndrome; Neoplastic Syndromes, Hereditary. Identifiers: Orphanet 140162, MedGen C0027672, MeSH D009386, MONDO:0015356.

Submissions (2):

Ambry Genetics
Classification: Uncertain significance for Hereditary cancer-predisposing syndrome. Last evaluated: 2026-08-11. Review status: criteria provided, single submitter. Criteria: Ambry Variant Classification Scheme 2023. Collection method: clinical testing. Allele origin: germline.
Comment: The c.2795dupG variant, located in coding exon 21 of the POLD1 gene, results from a duplication of G at nucleotide position 2795, causing a translational frameshift with a predicted alternate stop codon (p.V933Cfs*21). This variant is expected to result in protein truncation or nonsense-mediated mRNA decay. However, loss of function has not been established as a mechanism of disease. Based on the available evidence, the clinical significance of this variant remains unclear.

GeneDx
Classification: Uncertain significance. Last evaluated: 2017-11-21. Review status: criteria provided, single submitter. Criteria: GeneDx Variant Classification (06012015). Collection method: clinical testing. Allele origin: germline. Affected: yes.
Comment: This duplication of one nucleotide in POLD1 is denoted c.2795dupG at the cDNA level and p.Val933CysfsX21 (V933CfsX21) at the protein level. The normal sequence, with the base that is duplciated in brackets, is AAGG[dupG]TGTG. The deletion causes a frameshift which changes a Valine to a Cysteine at codon 933, and creates a premature stop codon at position 21 of the new reading frame. Although this variant has not, to our knowledge, been reported in the literature, it is predicted to cause loss of normal protein function through either protein truncation or nonsense-mediated mRNA decay. While some missense variants in POLD1 have been recognized as an underlying cause of Polymerase Proofreading-Associated Polyposis (PPAP), there are no data at this time to support that loss-of-function variants confer the same cancer risks. We therefore consider this variant to be of uncertain significance with respect to cancer.